The following is an entry in ClinVar:

NM_003579.4(RAD54L):c.166A>G (p.Ser56Gly)

Gene: RAD54L (RAD54 like; plus strand). Cytogenetic location: 1p34.1.
Variant type: single nucleotide variant.
Coding change: c.166A>G on transcript NM_003579.4 (MANE Select); coding-DNA position 166, A replaced by G.
Protein change: p.Ser56Gly; replaces serine 56 with glycine.
Molecular consequence: missense variant. On other transcripts: 5 prime UTR variant (1).
Genome position (GRCh38, 1-based): chr1:46,250,075, A>G. VCF-style: chr1-46250075-A-G. GRCh37 (hg19) VCF-style: chr1-46715747-A-G.
Other names: c.166A>G, p.Ser56Gly (NM_001142548.2); c.-375A>G (NM_001370766.1); short protein forms S56G.
Identifiers: ClinVar variation 1777642 (VCV001777642.2), dbSNP rs1659756571, ClinGen allele CA340176154.

ClinVar aggregate classification (germline): Uncertain significance (1 of 4 stars; one submission).

Submission:

Ambry Genetics
Classification: Uncertain significance. Last evaluated: 2022-02-05. Review status: criteria provided, single submitter. Criteria: Ambry Variant Classification Scheme 2023. Collection method: clinical testing. Allele origin: germline.
Comment: The p.S56G variant (also known as c.166A>G), located in coding exon 3 of the RAD54L gene, results from an A to G substitution at nucleotide position 166. The serine at codon 56 is replaced by glycine, an amino acid with similar properties. This amino acid position is conserved. In addition, this alteration is predicted to be tolerated by in silico analysis. Since supporting evidence is limited at this time, the clinical significance of this alteration remains unclear.